The following is an entry in ClinVar:

NM_001267550.2(TTN):c.12813C>T (p.His4271=)

Gene: TTN (titin; minus strand). Cytogenetic location: 2q31.2.
Variant type: single nucleotide variant.
Coding change: c.12813C>T on transcript NM_001267550.2 (MANE Select); coding-DNA position 12813, C replaced by T.
Protein change: p.His4271=; no amino-acid change (histidine 4271 retained).
Molecular consequence: synonymous variant. On other transcripts: intron variant (1).
Genome position (GRCh38, 1-based): chr2:178,740,420, G>A on the plus strand (C>T on the coding strand, the complement: TTN is on the minus strand). VCF-style: chr2-178740420-G-A. GRCh37 (hg19) VCF-style: chr2-179605147-G-A.
Other names: c.11862C>T, p.His3954= (NM_001256850.1); c.11724C>T, p.His3908= (NM_003319.4); c.12099C>T, p.His4033= (NM_133432.3); c.12300C>T, p.His4100= (NM_133437.4); c.10361-2060C>T (NM_133378.4).
Identifiers: ClinVar variation 597395 (VCV000597395.17), dbSNP rs373302409, ClinGen allele CA2002667.

ClinVar aggregate classification (germline): Conflicting classifications of pathogenicity. Review status: criteria provided, conflicting classifications (1 of 4 stars). 4 submissions from 4 submitters: Uncertain significance (1); Likely benign (2). 1 of the submissions does not count toward it. Last evaluated 2025-08-12.

Conditions:
Cardiovascular phenotype. Identifiers: MedGen CN230736.
Dilated cardiomyopathy 1G (CMD1G). Identifiers: Orphanet 154, MedGen C1858763, MONDO:0011400, OMIM 604145.
Autosomal recessive limb-girdle muscular dystrophy type 2J (LGMDR10). Also called: Limb-girdle muscular dystrophy, type 2J; MUSCULAR DYSTROPHY, LIMB-GIRDLE, AUTOSOMAL RECESSIVE 10. Identifiers: Orphanet 140922, MedGen C1837342, MONDO:0012127, OMIM 608807.
TTN-related disorder. Also called: TTN-related condition; TTN-related disease; TTN-related disorders.

Allele frequency attached by ClinVar (database versions not stated): TOPMed 0.00001; ESP Exome Variant Server 0.00008.
gnomAD v4.1: 40 of 1,613,050 alleles (0.0025%); highest among the groups gnomAD compares: Admixed American, 0.0033%; no homozygotes.

Submissions (4):

Labcorp Genetics (formerly Invitae), Labcorp
Classification: Likely benign for Dilated cardiomyopathy 1G; Autosomal recessive limb-girdle muscular dystrophy type 2J. Last evaluated: 2025-08-12. Review status: criteria provided, single submitter. Criteria: Invitae Variant Classification Sherloc (09022015). Collection method: clinical testing. Allele origin: germline.

Ambry Genetics
Classification: Likely benign for Cardiovascular phenotype. Last evaluated: 2023-05-08. Review status: criteria provided, single submitter. Criteria: Ambry Variant Classification Scheme 2023. Collection method: clinical testing. Allele origin: germline.

Eurofins Ntd Llc (ga)
Classification: Uncertain significance. Last evaluated: 2018-06-05. Review status: criteria provided, single submitter. Criteria: EGL ClinVar v180209 classification definitions. Collection method: clinical testing. Allele origin: germline. Observed: 1 variant allele, 1 heterozygote.

PreventionGenetics, part of Exact Sciences
Classification: Likely benign for TTN-related condition. Last evaluated: 2019-05-02. Review status: no assertion criteria provided. Collection method: clinical testing. Allele origin: germline. Not counted in ClinVar's aggregate classification.
Comment: This variant is classified as likely benign based on ACMG/AMP sequence variant interpretation guidelines (Richards et al. 2015 PMID: 25741868, with internal and published modifications).